The following is an entry in ClinVar:

NM_198428.3(BBS9):c.1538-4A>G

Gene: BBS9 (Bardet-Biedl syndrome 9; plus strand). Cytogenetic location: 7p14.3.
Variant type: single nucleotide variant.
Coding change: c.1538-4A>G on transcript NM_198428.3 (MANE Select); 4 bases into the intron before coding-DNA position 1538, A replaced by G.
Molecular consequence: intron variant.
Genome position (GRCh38, 1-based): chr7:33,352,855, A>G. VCF-style: chr7-33352855-A-G. GRCh37 (hg19) VCF-style: chr7-33392467-A-G.
Other names: c.1403-4A>G (NM_001348042.3); c.1172-4A>G (NM_001348045.3, NM_001348046.3, NM_001348037.3); c.1433-4A>G (NM_001033604.2); c.1432+3685A>G (NM_014451.4, NM_001348040.3); c.1067-4A>G (NM_001348044.3); c.1538-4A>G (NM_001348036.1, NM_001362679.1, NM_001348041.4 and 2 more transcripts); c.1265-4A>G (NM_001348038.3); c.1160-4A>G (NM_001348039.3); and 1 more.
Identifiers: ClinVar variation 2728901 (VCV002728901.4), dbSNP rs370239104, ClinGen allele CA4214391.

ClinVar aggregate classification (germline): Likely benign. Review status: criteria provided, single submitter (1 of 4 stars). 2 submissions from 2 submitters: Likely benign (1). 1 of the submissions does not count toward it. Last evaluated 2026-01-26.

Conditions:
BBS9-related disorder. Also called: BBS9-related condition.
Bardet-Biedl syndrome (BBS). Identifiers: Orphanet 110, MedGen C0752166, MONDO:0015229.

Allele frequency attached by ClinVar (database versions not stated): ExAC 0.00001; TOPMed 0.00001; gnomAD exomes 0.00002; gnomAD 0.00003; ESP Exome Variant Server 0.00008.
gnomAD v4.1: 31 of 1,612,638 alleles (0.0019%); highest among the groups gnomAD compares: Non-Finnish European, 0.0022%; no homozygotes.

Submissions (2):

Labcorp Genetics (formerly Invitae), Labcorp
Classification: Likely benign for Bardet-Biedl syndrome. Last evaluated: 2026-01-26. Review status: criteria provided, single submitter. Criteria: Invitae Variant Classification Sherloc (09022015). Collection method: clinical testing. Allele origin: germline.

PreventionGenetics, part of Exact Sciences
Classification: Likely benign for BBS9-related condition. Last evaluated: 2022-04-05. Review status: no assertion criteria provided. Collection method: clinical testing. Allele origin: germline. Not counted in ClinVar's aggregate classification.
Comment: This variant is classified as likely benign based on ACMG/AMP sequence variant interpretation guidelines (Richards et al. 2015 PMID: 25741868, with internal and published modifications).